The following is an entry in ClinVar:

NM_052988.5(CDK10):c.729del (p.Glu244fs)

Gene: CDK10 (cyclin dependent kinase 10; plus strand). Cytogenetic location: 16q24.3.
Variant type: Deletion.
Coding change: c.729del on transcript NM_052988.5 (MANE Select); coding-DNA position 729, one base deleted (C; older notation c.729delC).
Protein change: p.Glu244fs; shifts the reading frame from glutamic acid 244.
Molecular consequence: frameshift variant. On other transcripts: non-coding transcript variant (2).
Genome position (GRCh38, 1-based): chr16:89,694,725, C deleted; the last of 2 consecutive C bases (chr16:89,694,724-89,694,725); deleting either gives the same sequence. VCF-style (leftmost placement, unchanged base first): chr16-89694723-TC-T. GRCh37 (hg19) VCF-style: chr16-89761131-TC-T.
Other names: c.516del, p.Glu173fs (NM_001098533.3, NM_001160367.2, NM_052987.4); short protein forms E173fs, E244fs.
Identifiers: ClinVar variation 986936 (VCV000986936.33), dbSNP rs2060622260, ClinGen allele CA1139665051.

ClinVar aggregate classification (germline): Pathogenic/Likely pathogenic. Review status: criteria provided, multiple submitters, no conflicts (2 of 4 stars). 5 submissions from 5 submitters: Pathogenic (2); Likely pathogenic (2). 1 of the submissions does not count toward it. Last evaluated 2025-08-05.

Conditions:
Al Kaissi syndrome. Also called: GROWTH RETARDATION, SPINE MALFORMATION, DYSMORPHIC FACIES, AND DEVELOPMENTAL DELAY. Identifiers: MedGen C4540156, MONDO:0044324, OMIM 617694.

Submissions (5):

Clinical Genetics Laboratory, Skane University Hospital Lund
Classification: Pathogenic for Al Kaissi syndrome. Last evaluated: 2025-08-05. Review status: criteria provided, single submitter. Criteria: ACMG Guidelines, 2015. Collection method: clinical testing. Allele origin: germline. Inheritance: Autosomal recessive inheritance. Affected: yes.
Comment: ACMG criteria used: PVS1, PM2, PM3_Supporting.

Human Genetics Bochum, Ruhr University Bochum
Classification: Pathogenic for Al Kaissi syndrome. Last evaluated: 2024-09-17. Review status: criteria provided, single submitter. Criteria: ACMG Guidelines, 2015. Collection method: clinical testing. Allele origin: germline. Affected: yes.
Comment: ACMG criteria used to clasify this variant: PVS1, PM1_SUP, PM2_SUP, PM3_SUP

CeGaT Center for Human Genetics Tuebingen
Classification: Likely pathogenic. Last evaluated: 2023-06-01. Review status: criteria provided, single submitter. Criteria: CeGaT Center For Human Genetics Tuebingen Variant Classification Criteria Version 2. Collection method: clinical testing. Allele origin: germline. Affected: yes. Observed: 1 variant allele.
Comment: CDK10: PVS1:Strong, PM2, PM3

Institute of Medical Genetics and Applied Genomics, University Hospital Tübingen
Classification: Likely pathogenic. Last evaluated: 2020-10-23. Review status: criteria provided, single submitter. Criteria: ACMG Guidelines, 2015. Collection method: clinical testing. Allele origin: germline. Inheritance: Autosomal recessive inheritance. Affected: yes.

Institute of Human Genetics, University of Goettingen
Classification: Likely pathogenic for Al Kaissi syndrome. Last evaluated: 2020-11-20. Review status: no assertion criteria provided. Collection method: clinical testing. Allele origin: unknown. Inheritance: Autosomal recessive inheritance. Affected: yes. Observed: 1 homozygote. Not counted in ClinVar's aggregate classification.